The following is an entry in ClinVar:

ClinVar aggregate classification (germline): Benign/Likely benign. Review status: criteria provided, multiple submitters, no conflicts (2 of 4 stars). 5 submissions from 5 submitters: Benign (2); Likely benign (3). Last evaluated 2026-02-01.

Conditions:
Jeune thoracic dystrophy. Also called: Short-rib thoracic dysplasia; Jeune syndrome; Infantile thoracic dystrophy; Thoracic pelvic phalangeal dystrophy; Jeune's syndrome; Chondroectodermal dysplasia-like syndrome. Identifiers: Orphanet 474, MedGen C0265275, MONDO:0018770.
Nephronophthisis. Also called: Juvenile Nephronophthisis. Identifiers: Orphanet 655, MedGen C0687120, MONDO:0019005, HP:0000090.

Allele frequency attached by ClinVar (database versions not stated): 1000 Genomes Project 0.00060; 1000 Genomes Project 30x 0.00062; ExAC 0.00123; gnomAD exomes 0.00143 and 0.00245; TOPMed 0.00170; gnomAD 0.00177 and 0.00179; ESP Exome Variant Server 0.00216.
gnomAD v4.1: 3,762 of 1,561,820 alleles (0.24%); highest among the groups gnomAD compares: Non-Finnish European, 0.3%; 3 homozygotes.

Submissions (5):

Labcorp Genetics (formerly Invitae), Labcorp
Classification: Benign for Jeune thoracic dystrophy; Nephronophthisis. Last evaluated: 2026-02-01. Review status: criteria provided, single submitter. Criteria: Invitae Variant Classification Sherloc (09022015). Collection method: clinical testing. Allele origin: germline.

Blueprint Genetics
Classification: Likely benign. Last evaluated: 2024-11-21. Review status: criteria provided, single submitter. Criteria: ACMG Guidelines, 2015. Collection method: clinical testing. Allele origin: germline.

ARUP Laboratories, Molecular Genetics and Genomics, ARUP Laboratories
Classification: Benign. Last evaluated: 2023-11-29. Review status: criteria provided, single submitter. Criteria: ARUP Molecular Germline Variant Investigation Process 2024. Collection method: clinical testing. Allele origin: germline.

GeneDx
Classification: Likely benign. Last evaluated: 2018-02-06. Review status: criteria provided, single submitter. Criteria: GeneDx Variant Classification (06012015). Collection method: clinical testing. Allele origin: germline. Affected: yes.
Comment: This variant is considered likely benign or benign based on one or more of the following criteria: it is a conservative change, it occurs at a poorly conserved position in the protein, it is predicted to be benign by multiple in silico algorithms, and/or has population frequency not consistent with disease.

Breakthrough Genomics
Classification: Likely benign. Review status: criteria provided, single submitter. Criteria: ACMG Guidelines, 2015. Collection method: not provided. Allele origin: germline. Inheritance: Autosomal recessive inheritance. Affected: yes.

NM_024753.5(TTC21B):c.262+16G>A

Gene: TTC21B (tetratricopeptide repeat domain 21B; minus strand). Cytogenetic location: 2q24.3.
Variant type: single nucleotide variant.
Coding change: c.262+16G>A on transcript NM_024753.5 (MANE Select); 16 bases into the intron after coding-DNA position 262, G replaced by A.
Molecular consequence: intron variant.
Genome position (GRCh38, 1-based): chr2:165,949,378, C>T on the plus strand (G>A on the coding strand, the complement: TTC21B is on the minus strand). VCF-style: chr2-165949378-C-T. GRCh37 (hg19) VCF-style: chr2-166805888-C-T.
Identifiers: ClinVar variation 516545 (VCV000516545.21), dbSNP rs192525886, ClinGen allele CA1942503.